The following is an entry in ClinVar:

ClinVar aggregate classification (germline): Likely benign. Review status: criteria provided, multiple submitters, no conflicts (2 of 4 stars). 2 submissions from 2 submitters: Likely benign (2). Last evaluated 2025-11-03.

Conditions:
SCN9A-related disorder. Also called: SCN9A-related disorders; SCN9A-related condition.
Neuropathy, hereditary sensory and autonomic, type 2A (HSAN2A). Also called: MORVAN DISEASE; WNK1-Related HSAN2 (HSAN2A); ACROOSTEOLYSIS, GIACCAI TYPE; ACROOSTEOLYSIS, NEUROGENIC; HSAN IIA; NEUROPATHY, CONGENITAL SENSORY. Identifiers: Orphanet 970, MedGen C2752089, MONDO:0024309, OMIM 201300.
Generalized epilepsy with febrile seizures plus, type 7 (GEFSP7). Also called: GEFS+, TYPE 7. Identifiers: Orphanet 36387, MedGen C2751778, MONDO:0013470, OMIM 613863.

Allele frequency attached by ClinVar (database versions not stated): gnomAD exomes 0.00003; ExAC 0.00004; TOPMed 0.00004; gnomAD 0.00005 and 0.00006.
gnomAD v4.1: 57 of 1,613,852 alleles (0.0035%); highest among the groups gnomAD compares: Non-Finnish European, 0.0047%; no homozygotes.

Submissions (2):

Labcorp Genetics (formerly Invitae), Labcorp
Classification: Likely benign for Neuropathy, hereditary sensory and autonomic, type 2A; Generalized epilepsy with febrile seizures plus, type 7. Last evaluated: 2025-11-03. Review status: criteria provided, single submitter. Criteria: Invitae Variant Classification Sherloc (09022015). Collection method: clinical testing. Allele origin: germline.

PreventionGenetics, part of Exact Sciences
Classification: Likely benign for SCN9A-related condition. Last evaluated: 2025-07-02. Review status: criteria provided, single submitter. Criteria: ACMG Guidelines, 2015. Collection method: clinical testing. Allele origin: germline.
Comment: This variant is classified as likely benign based on ACMG/AMP sequence variant interpretation guidelines (Richards et al. 2015 PMID: 25741868, with internal and published modifications).

NM_001365536.1(SCN9A):c.1515A>G (p.Ser505=)

Genes: SCN1A-AS1 (SCN1A and SCN9A antisense RNA 1; plus strand), SCN9A (sodium voltage-gated channel alpha subunit 9; minus strand). Cytogenetic location: 2q24.3.
Variant type: single nucleotide variant.
Coding change: c.1515A>G on transcript NM_001365536.1 (MANE Select); coding-DNA position 1515, A replaced by G.
Protein change: p.Ser505=; no amino-acid change (serine 505 retained).
Molecular consequence: synonymous variant.
Genome position (GRCh38, 1-based): chr2:166,286,423, T>C on the plus strand (A>G on the coding strand, the complement: SCN9A is on the minus strand). VCF-style: chr2-166286423-T-C. GRCh37 (hg19) VCF-style: chr2-167142933-T-C.
Other names: c.1515A>G, p.Ser505= (NM_002977.4).
Identifiers: ClinVar variation 1081145 (VCV001081145.10), dbSNP rs201563494, ClinGen allele CA1944496.
Genomic context (GRCh38, chr2:166,286,423, plus strand): 5'-ATGTGCTCGCCTATGCCCTTCGACACCAAGGTGGAAACTTTTTCTTCTGATGCTGTCCTC[T>C]GATTCTGATTTCGACAATTTCTCAGCATCTCCCTTTTCCTCTCCACTGGAGAGCTTCTTT-3'
Protein context (NP_001352465.1, residues 495-515): GDAEKLSKSE[Ser505=]EDSIRRKSFH